The following is an entry in ClinVar:

NM_000824.5(GLRB):c.1342C>T (p.Leu448Phe)

Gene: GLRB (glycine receptor beta; plus strand). Cytogenetic location: 4q32.1.
Variant type: single nucleotide variant.
Coding change: c.1342C>T on transcript NM_000824.5 (MANE Select); coding-DNA position 1342, C replaced by T.
Protein change: p.Leu448Phe; replaces leucine 448 with phenylalanine.
Molecular consequence: missense variant. On other transcripts: 3 prime UTR variant (1).
Genome position (GRCh38, 1-based): chr4:157,170,576, C>T. VCF-style: chr4-157170576-C-T. GRCh37 (hg19) VCF-style: chr4-158091728-C-T.
Other names: c.1342C>T, p.Leu448Phe (NM_001166060.2); c.*137C>T (NM_001166061.2); short protein forms L448F.
Identifiers: ClinVar variation 863065 (VCV000863065.7), dbSNP rs750707925, ClinGen allele CA3120002.

ClinVar aggregate classification (germline): Uncertain significance. Review status: criteria provided, multiple submitters, no conflicts (2 of 4 stars). 2 submissions from 2 submitters: Uncertain significance (2). Last evaluated 2025-11-18.

Conditions:
Inborn genetic diseases. Identifiers: MedGen C0950123, MeSH D030342.
Hyperekplexia 2 (HKPX2). Identifiers: Orphanet 3197, MedGen C3553291, MONDO:0013828, OMIM 614619.

Allele frequency attached by ClinVar (database versions not stated): gnomAD exomes 0.00001; TOPMed 0.00001; ExAC 0.00002; gnomAD 0.00003.
gnomAD v4.1: 12 of 1,613,408 alleles (0.00074%); highest among the groups gnomAD compares: African/African-American, 0.0013%; no homozygotes.

Submissions (2):

Labcorp Genetics (formerly Invitae), Labcorp
Classification: Uncertain significance for Hyperekplexia 2. Last evaluated: 2025-11-18. Review status: criteria provided, single submitter. Criteria: Invitae Variant Classification Sherloc (09022015). Collection method: clinical testing. Allele origin: germline.
Comment: This sequence change replaces leucine, which is neutral and non-polar, with phenylalanine, which is neutral and non-polar, at codon 448 of the GLRB protein (p.Leu448Phe). This variant is present in population databases (rs750707925, gnomAD 0.002%). This variant has not been reported in the literature in individuals affected with GLRB-related conditions. ClinVar contains an entry for this variant (Variation ID: 863065). Invitae Evidence Modeling of protein sequence and biophysical properties (such as structural, functional, and spatial information, amino acid conservation, physicochemical variation, residue mobility, and thermodynamic stability) indicates that this missense variant is not expected to disrupt GLRB protein function with a negative predictive value of 80%. In summary, the available evidence is currently insufficient to determine the role of this variant in disease. Therefore, it has been classified as a Variant of Uncertain Significance.

Ambry Genetics
Classification: Uncertain significance for Inborn genetic diseases. Last evaluated: 2024-11-27. Review status: criteria provided, single submitter. Criteria: Ambry Variant Classification Scheme 2023. Collection method: clinical testing. Allele origin: germline.